The following is an entry in ClinVar:

ClinVar aggregate classification (germline): Uncertain significance (1 of 4 stars; one submission).

Allele frequency attached by ClinVar (database versions not stated): gnomAD exomes below 0.00001; TOPMed below 0.00001; gnomAD 0.00001.
gnomAD v4.1: 2 of 1,613,978 alleles (0.00012%); highest among the groups gnomAD compares: Non-Finnish European, 0.00017%; no homozygotes.

Submission:

GeneDx
Classification: Uncertain significance. Last evaluated: 2017-05-02. Review status: criteria provided, single submitter. Criteria: GeneDx Variant Classification (06012015). Collection method: clinical testing. Allele origin: germline. Affected: yes.
Comment: A variant of uncertain significance has been identified in the FGD4 gene. The K401N variant has not been published as a pathogenic variant, nor has it been reported as a benign variant to our knowledge. The K401N variant is not observed in large population cohorts (Lek et al., 2016; 1000 Genomes Consortium et al., 2015; Exome Variant Server). The K401N variant is a semi-conservative amino acid substitution, which may impact secondary protein structure as these residues differ in some properties. This substitution occurs at a position that is conserved across species. However, in silico analysis is inconsistent in its predictions as to whether or not the variant is damaging to the protein structure/function. Therefore, based on the currently available information, it is unclear whether this variant is a pathogenic variant or a rare benign variant.

NM_001370298.3(FGD4):c.1614G>C (p.Lys538Asn)

Gene: FGD4 (FYVE, RhoGEF and PH domain containing 4; plus strand). Cytogenetic location: 12p11.21.
Variant type: single nucleotide variant.
Coding change: c.1614G>C on transcript NM_001370298.3 (MANE Select); coding-DNA position 1614, G replaced by C.
Protein change: p.Lys538Asn; replaces lysine 538 with asparagine.
Molecular consequence: missense variant.
Genome position (GRCh38, 1-based): chr12:32,611,148, G>C. VCF-style: chr12-32611148-G-C. GRCh37 (hg19) VCF-style: chr12-32764082-G-C.
Other names: c.1458G>C, p.Lys486Asn (NM_001304481.2); c.459G>C, p.Lys153Asn (NM_001304483.2); c.171G>C, p.Lys57Asn (NM_001304484.2); c.924G>C, p.Lys308Asn (NM_001330373.2, NM_001330374.2, NM_001384130.1); c.651G>C, p.Lys217Asn (NM_001370297.1); c.1614G>C, p.Lys538Asn (NM_001384126.1); c.1203G>C, p.Lys401Asn (NM_001384127.1, NM_001384128.1, NM_001385118.1 and 1 more transcripts); short protein forms K401N, K486N, K153N, K217N, K308N, K57N, K538N.
Identifiers: ClinVar variation 429458 (VCV000429458.2), dbSNP rs1131691394, ClinGen allele CA384360957.